The following is an entry in ClinVar:

ClinVar aggregate classification (germline): Likely benign. Review status: criteria provided, multiple submitters, no conflicts (2 of 4 stars). 2 submissions from 2 submitters: Likely benign (2). Last evaluated 2025-07-09.

Allele frequency attached by ClinVar (database versions not stated): ExAC 0.00003; TOPMed 0.00004; gnomAD exomes 0.00006.
gnomAD v4.1: 35 of 1,613,702 alleles (0.0022%); highest among the groups gnomAD compares: Middle Eastern, 0.016%; no homozygotes.

Submissions (2):

Labcorp Genetics (formerly Invitae), Labcorp
Classification: Likely benign. Last evaluated: 2025-07-09. Review status: criteria provided, single submitter. Criteria: Invitae Variant Classification Sherloc (09022015). Collection method: clinical testing. Allele origin: germline.

CeGaT Center for Human Genetics Tuebingen
Classification: Likely benign. Last evaluated: 2024-06-01. Review status: criteria provided, single submitter. Criteria: CeGaT Center For Human Genetics Tuebingen Variant Classification Criteria Version 2. Collection method: clinical testing. Allele origin: germline. Affected: yes. Observed: 1 variant allele.
Comment: PACS2: BP4, BP7

NM_001100913.3(PACS2):c.2040C>T (p.Asp680=)

Gene: PACS2 (phosphofurin acidic cluster sorting protein 2; plus strand). Cytogenetic location: 14q32.33.
Variant type: single nucleotide variant.
Coding change: c.2040C>T on transcript NM_001100913.3 (MANE Select); coding-DNA position 2040, C replaced by T.
Protein change: p.Asp680=; no amino-acid change (aspartic acid 680 retained).
Molecular consequence: synonymous variant.
Genome position (GRCh38, 1-based): chr14:105,389,967, C>T. VCF-style: chr14-105389967-C-T. GRCh37 (hg19) VCF-style: chr14-105856304-C-T.
Other names: c.1770C>T, p.Asp590= (NM_001243127.3); c.1995C>T, p.Asp665= (NM_015197.4).
Identifiers: ClinVar variation 1551279 (VCV001551279.26), dbSNP rs782462194, ClinGen allele CA7389107.